The following is an entry in ClinVar:

NM_000057.4(BLM):c.1440dup (p.Ala481fs)

Gene: BLM (BLM RecQ like helicase; plus strand). Cytogenetic location: 15q26.1.
Variant type: Duplication.
Coding change: c.1440dup on transcript NM_000057.4 (MANE Select); coding-DNA position 1440, one base duplicated (T; older notation c.1440dupT).
Protein change: p.Ala481fs; shifts the reading frame from alanine 481.
Molecular consequence: frameshift variant.
Genome position (GRCh38, 1-based): chr15:90,760,813, T duplicated. VCF-style (leftmost placement, unchanged base first): chr15-90760812-C-CT. GRCh37 (hg19) VCF-style: chr15-91304042-C-CT.
Other names: c.1440dup, p.Ala481fs (NM_001287246.2, NM_001287247.2); c.315dup, p.Ala106fs (NM_001287248.2); short protein forms A106fs, A481fs.
Identifiers: ClinVar variation 819226 (VCV000819226.7), dbSNP rs1596229894, ClinGen allele CA915946151.
Genomic context (GRCh38, chr15:90,760,812, plus strand): 5'-CAAATTCTGTTTCTCCTGGGGACTGTTTACTGACTACCACCCTAGGAAAGACAGGATTCT[C>CT]TGCCACCAGGAAGAATCTTTTTGAAAGGCCTTTATTCAATACCCATTTACAGAAGTCCTT-3'

ClinVar aggregate classification (germline): Pathogenic. Review status: criteria provided, multiple submitters, no conflicts (2 of 4 stars). 2 submissions from 2 submitters: Pathogenic (2). Last evaluated 2023-10-22.

Conditions:
Hereditary cancer-predisposing syndrome. Also called: Tumor predisposition; Hereditary neoplastic syndrome; Neoplastic Syndromes, Hereditary; Hereditary Cancer Syndrome. Identifiers: Orphanet 140162, MedGen C0027672, MeSH D009386, MONDO:0015356.
Bloom syndrome (BLM). Also called: Bloom-Torre-Machacek syndrome. Identifiers: Orphanet 125, MedGen C0005859, MONDO:0008876, OMIM 210900.

Submissions (2):

Labcorp Genetics (formerly Invitae), Labcorp
Classification: Pathogenic for Bloom syndrome. Last evaluated: 2023-10-22. Review status: criteria provided, single submitter. Criteria: Invitae Variant Classification Sherloc (09022015). Collection method: clinical testing. Allele origin: germline.
Comment: This sequence change creates a premature translational stop signal (p.Ala481Cysfs*8) in the BLM gene. It is expected to result in an absent or disrupted protein product. Loss-of-function variants in BLM are known to be pathogenic (PMID: 17407155). This variant is not present in population databases (gnomAD no frequency). This variant has not been reported in the literature in individuals affected with BLM-related conditions. ClinVar contains an entry for this variant (Variation ID: 819226). For these reasons, this variant has been classified as Pathogenic.

Ambry Genetics
Classification: Pathogenic for Hereditary cancer-predisposing syndrome. Last evaluated: 2019-07-24. Review status: criteria provided, single submitter. Criteria: Ambry Variant Classification Scheme 2023. Collection method: clinical testing. Allele origin: germline.
Comment: The c.1440dupT variant, located in coding exon 6 of the BLM gene, results from a duplication of T at nucleotide position 1440, causing a translational frameshift with a predicted alternate stop codon (p.A481Cfs*8). This alteration is expected to result in loss of function by premature protein truncation or nonsense-mediated mRNA decay. As such, this alteration is interpreted as a disease-causing mutation.

Literature cited by the submitters: PubMed 17407155 (cited by Labcorp Genetics (formerly Invitae), Labcorp).